The following is an entry in ClinVar:

ClinVar aggregate classification (germline): Pathogenic/Likely pathogenic. Review status: criteria provided, multiple submitters, no conflicts (2 of 4 stars). 3 submissions from 3 submitters: Pathogenic (1); Likely pathogenic (2). Last evaluated 2023-11-04.

Conditions:
Usher syndrome type 2A. Also called: RETINAL DISEASE IN USHER SYNDROME TYPE IIA, MODIFIER OF; USHER SYNDROME, TYPE IIA. Identifiers: Orphanet 231178, Orphanet 886, MedGen C1848634, MONDO:0010169, OMIM 276901.
Usher syndrome. Also called: Usher's syndrome; Usher Syndromes. Identifiers: Orphanet 886, MedGen CN469326, MeSH D052245, MONDO:0019501. Disease mechanism: loss of function.

Submissions (3):

Genome-Nilou Lab
Classification: Likely pathogenic for Usher syndrome type 2A. Last evaluated: 2023-11-04. Review status: criteria provided, single submitter. Criteria: ACMG Guidelines, 2015. Collection method: clinical testing. Allele origin: germline. Affected: no.

Women's Health and Genetics/Laboratory Corporation of America, LabCorp
Classification: Likely pathogenic for Usher syndrome. Last evaluated: 2023-02-18. Review status: criteria provided, single submitter. Criteria: LabCorp Variant Classification Summary - May 2015. Collection method: clinical testing. Allele origin: germline.
Comment: Variant summary: USH2A c.7862delC (p.Pro2621GlnfsX20) results in a premature termination codon, predicted to cause a truncation of the encoded protein or absence of the protein due to nonsense mediated decay, which are commonly known mechanisms for disease. Truncations downstream of this position have been classified as pathogenic by our laboratory. The variant was absent in 251040 control chromosomes (gnomAD). To our knowledge, no occurrence of c.7862delC in individuals affected with Usher Syndrome and no experimental evidence demonstrating its impact on protein function have been reported. One ClinVar submitter has assessed the variant since 2014: the variant was classified as pathogenic. Based on the evidence outlined above, the variant was classified as likely pathogenic.

Labcorp Genetics (formerly Invitae), Labcorp
Classification: Pathogenic. Last evaluated: 2021-02-17. Review status: criteria provided, single submitter. Criteria: Invitae Variant Classification Sherloc (09022015). Collection method: clinical testing. Allele origin: germline.
Comment: For these reasons, this variant has been classified as Pathogenic. This variant has not been reported in the literature in individuals with USH2A-related conditions. This variant is not present in population databases (ExAC no frequency). This sequence change creates a premature translational stop signal (p.Pro2621Glnfs*20) in the USH2A gene. It is expected to result in an absent or disrupted protein product. Loss-of-function variants in USH2A are known to be pathogenic (PMID: 10729113, 10909849, 20507924, 25649381).

Literature cited by the submitters: PubMed 10729113 (cited by Labcorp Genetics (formerly Invitae), Labcorp); PubMed 10909849 (cited by Labcorp Genetics (formerly Invitae), Labcorp); PubMed 20507924 (cited by Labcorp Genetics (formerly Invitae), Labcorp); PubMed 25649381 (cited by Labcorp Genetics (formerly Invitae), Labcorp).

NM_206933.4(USH2A):c.7862del (p.Pro2621fs)

Gene: USH2A (usherin; minus strand). Cytogenetic location: 1q41.
Variant type: Deletion.
Coding change: c.7862del on transcript NM_206933.4 (MANE Select); coding-DNA position 7862, one base deleted (C; older notation c.7862delC).
Protein change: p.Pro2621fs; shifts the reading frame from proline 2621.
Molecular consequence: frameshift variant.
Genome position (GRCh38, 1-based): chr1:215,888,787, G deleted on the plus strand (C on the coding strand, the reverse complement: USH2A is on the minus strand); the first of 3 consecutive G bases (chr1:215,888,787-215,888,789); deleting any one gives the same sequence. VCF-style (leftmost placement, unchanged base first): chr1-215888786-TG-T. GRCh37 (hg19) VCF-style: chr1-216062128-TG-T.
Other names: c.7862delC (NM_206933.2); short protein forms P2621fs.
Identifiers: ClinVar variation 1387347 (VCV001387347.7), dbSNP rs2102460381, ClinGen allele CA2573131615.